The following is an entry in ClinVar:

NM_000340.2(SLC2A2):c.1392T>A (p.Tyr464Ter)

Gene: SLC2A2 (solute carrier family 2 member 2; minus strand). Cytogenetic location: 3q26.2.
Variant type: single nucleotide variant.
Coding change: c.1392T>A on transcript NM_000340.2 (MANE Select); coding-DNA position 1392, T replaced by A.
Protein change: p.Tyr464Ter; replaces tyrosine 464 with a stop codon.
Molecular consequence: nonsense.
Genome position (GRCh38, 1-based): chr3:170,998,086, A>T on the plus strand (T>A on the coding strand, the complement: SLC2A2 is on the minus strand). VCF-style: chr3-170998086-A-T. GRCh37 (hg19) VCF-style: chr3-170715875-A-T.
Other names: c.1035T>A, p.Tyr345Ter (NM_001278658.2); c.873T>A, p.Tyr291Ter (NM_001278659.2); short protein forms Y291*, Y345*, Y464*.
Identifiers: ClinVar variation 2832588 (VCV002832588.3), dbSNP rs1319329059, ClinGen allele CA355485023.
Genomic context (GRCh38, chr3:170,998,086, plus strand): 5'-AACTTTAAAAAATGTGAACAGGGTAAAGGCCAGGAGCACTCCAGCAAAGAGGAAAAACAC[A>T]TAAGGTCCACAGAAGTCCTGGATAGAAAGCAAACACAGACTTTGAGTTAGCAGTTTTTTG-3'

ClinVar aggregate classification (germline): Pathogenic (1 of 4 stars; one submission).

Conditions:
Fanconi-Bickel syndrome (FBS). Also called: HEPATIC GLYCOGENOSIS WITH FANCONI NEPHROPATHY; HEPATORENAL GLYCOGENOSIS WITH RENAL FANCONI SYNDROME; PSEUDO-PHLORIZIN DIABETES; Glycogen storage disease due to GLUT2 deficiency; FANCONI SYNDROME WITH INTESTINAL MALABSORPTION AND GALACTOSE INTOLERANCE; HEPATIC GLYCOGENOSIS WITH AMINO ACIDURIA AND GLUCOSURIA. Identifiers: Orphanet 2088, MedGen C3495427, MONDO:0009216, OMIM 227810.

Submission:

Labcorp Genetics (formerly Invitae), Labcorp
Classification: Pathogenic for Fanconi-Bickel syndrome. Last evaluated: 2023-01-28. Review status: criteria provided, single submitter. Criteria: Invitae Variant Classification Sherloc (09022015). Collection method: clinical testing. Allele origin: germline.
Comment: This variant disrupts a region of the SLC2A2 protein in which other variant(s) (p.Thr480Arg) have been determined to be pathogenic (PMID: 11810292, 30950137). This suggests that this is a clinically significant region of the protein, and that variants that disrupt it are likely to be disease-causing. For these reasons, this variant has been classified as Pathogenic. This variant has not been reported in the literature in individuals affected with SLC2A2-related conditions. This sequence change creates a premature translational stop signal (p.Tyr464*) in the SLC2A2 gene. While this is not anticipated to result in nonsense mediated decay, it is expected to disrupt the last 61 amino acid(s) of the SLC2A2 protein. This variant is not present in population databases (gnomAD no frequency).

Literature cited by the submitters: PubMed 11810292; PubMed 30950137.